The following is an entry in ClinVar:

ClinVar aggregate classification (germline): Uncertain significance (1 of 4 stars; one submission).

Conditions:
Congenital muscular dystrophy due to integrin alpha-7 deficiency. Also called: Congenital muscular dystrophy with integrin alpha-7 deficiency; Muscular dystrophy, congenital, due to ITGA7 deficiency; MYOPATHY, CONGENITAL, DUE TO INTEGRIN ALPHA-7 DEFICIENCY. Identifiers: Orphanet 34520, MedGen C2750786, MONDO:0013177, OMIM 613204.

Allele frequency attached by ClinVar (database versions not stated): gnomAD exomes below 0.00001 and 0.00001.
gnomAD v4.1: 9 of 1,547,634 alleles (0.00058%); highest among the groups gnomAD compares: Non-Finnish European, 0.0008%; no homozygotes.

Submission:

Labcorp Genetics (formerly Invitae), Labcorp
Classification: Uncertain significance for Congenital muscular dystrophy due to integrin alpha-7 deficiency. Last evaluated: 2022-01-27. Review status: criteria provided, single submitter. Criteria: Invitae Variant Classification Sherloc (09022015). Collection method: clinical testing. Allele origin: germline.
Comment: ClinVar contains an entry for this variant (Variation ID: 835292). This sequence change falls in intron 14 of the ITGA7 gene. It does not directly change the encoded amino acid sequence of the ITGA7 protein. This variant is present in population databases (no rsID available, gnomAD 0.0009%). This variant has not been reported in the literature in individuals affected with ITGA7-related conditions. Algorithms developed to predict the effect of sequence changes on RNA splicing suggest that this variant may create or strengthen a splice site. In summary, the available evidence is currently insufficient to determine the role of this variant in disease. Therefore, it has been classified as a Variant of Uncertain Significance.

NM_002206.3(ITGA7):c.2003+7G>T

Gene: ITGA7 (integrin subunit alpha 7; minus strand). Cytogenetic location: 12q13.2.
Variant type: single nucleotide variant.
Coding change: c.2003+7G>T on transcript NM_002206.3 (MANE Select); 7 bases into the intron after coding-DNA position 2003, G replaced by T.
Molecular consequence: intron variant.
Genome position (GRCh38, 1-based): chr12:55,695,515, C>A on the plus strand (G>T on the coding strand, the complement: ITGA7 is on the minus strand). VCF-style: chr12-55695515-C-A. GRCh37 (hg19) VCF-style: chr12-56089299-C-A.
Other names: c.1724+7G>T (NM_001144997.2); c.1676+7G>T (NM_001367993.1); c.1664+7G>T (NM_001414035.1); c.1820+7G>T (NM_001414033.1); c.659+7G>T (NM_001367994.1); c.1883+7G>T (NM_001414032.1); c.1916+7G>T (NM_001414031.1); c.1985+7G>T (NM_001374465.1); and 5 more.
Identifiers: ClinVar variation 835292 (VCV000835292.16), dbSNP rs1026026295, ClinGen allele CA605188274.